The following is an entry in ClinVar:

NM_001291303.3(FAT4):c.9163C>A (p.Gln3055Lys)

Gene: FAT4 (FAT atypical cadherin 4; plus strand). Cytogenetic location: 4q28.1.
Variant type: single nucleotide variant.
Coding change: c.9163C>A on transcript NM_001291303.3 (MANE Select); coding-DNA position 9163, C replaced by A.
Protein change: p.Gln3055Lys; replaces glutamine 3055 with lysine.
Molecular consequence: missense variant.
Genome position (GRCh38, 1-based): chr4:125,450,173, C>A. VCF-style: chr4-125450173-C-A. GRCh37 (hg19) VCF-style: chr4-126371328-C-A.
Other names: c.9163C>A, p.Gln3055Lys (NM_001291285.3); c.9157C>A, p.Gln3053Lys (NM_024582.6); short protein forms Q3053K, Q3055K.
Identifiers: ClinVar variation 451738 (VCV000451738.7), dbSNP rs199778782, ClinGen allele CA3073480.
Genomic context (GRCh38, chr4:125,450,173, plus strand): 5'-AAGTTGGACAATGATACGGGGTGGATTTCAGTAGCATCCTCCCTGATTTCTGACTTGAAC[C>A]AAAACTTTTTTATCACAGTCACTGCAAAGGATAAGGGAAACCCTCCACTTTCTTCCCAAG-3'
Protein context (NP_001278232.1, residues 3045-3065): VASSLISDLN[Gln3055Lys]NFFITVTAKD

ClinVar aggregate classification (germline): Uncertain significance. Review status: criteria provided, multiple submitters, no conflicts (2 of 4 stars). 5 submissions from 5 submitters: Uncertain significance (3). 2 of the submissions do not count toward it. Last evaluated 2025-03-05.

Conditions:
Inborn genetic diseases. Identifiers: MedGen C0950123, MeSH D030342.

Allele frequency attached by ClinVar (database versions not stated): gnomAD exomes 0.00001 and 0.00003; ExAC 0.00003; gnomAD 0.00005; TOPMed 0.00006; ESP Exome Variant Server 0.00008.
gnomAD v4.1: 28 of 1,613,704 alleles (0.0017%); highest among the groups gnomAD compares: Middle Eastern, 0.016%; no homozygotes.

Submissions (5):

Ambry Genetics
Classification: Uncertain significance for Inborn genetic diseases. Last evaluated: 2025-03-05. Review status: criteria provided, single submitter. Criteria: Ambry Variant Classification Scheme 2023. Collection method: clinical testing. Allele origin: germline.

Labcorp Genetics (formerly Invitae), Labcorp
Classification: Uncertain significance. Last evaluated: 2022-04-16. Review status: criteria provided, single submitter. Criteria: Invitae Variant Classification Sherloc (09022015). Collection method: clinical testing. Allele origin: germline.
Comment: This sequence change replaces glutamine, which is neutral and polar, with lysine, which is basic and polar, at codon 3053 of the FAT4 protein (p.Gln3053Lys). This variant is present in population databases (rs199778782, gnomAD 0.009%). This variant has not been reported in the literature in individuals affected with FAT4-related conditions. ClinVar contains an entry for this variant (Variation ID: 451738). Advanced modeling of protein sequence and biophysical properties (such as structural, functional, and spatial information, amino acid conservation, physicochemical variation, residue mobility, and thermodynamic stability) performed at Invitae indicates that this missense variant is not expected to disrupt FAT4 protein function. In summary, the available evidence is currently insufficient to determine the role of this variant in disease. Therefore, it has been classified as a Variant of Uncertain Significance.

GeneDx
Classification: Uncertain significance. Last evaluated: 2017-09-06. Review status: criteria provided, single submitter. Criteria: GeneDx Variant Classification (06012015). Collection method: clinical testing. Allele origin: germline. Affected: yes.
Comment: The Q3053K variant has not been published as a pathogenic variant, nor has it been reported as a benign variant to our knowledge. The Q3053K variant is not observed at a significant frequency in large population cohorts (Lek et al., 2016; 1000 Genomes Consortium et al., 2015; Exome Variant Server). The Q3053K variant is a semi-conservative amino acid substitution, which may impact secondary protein structure as these residues differ in some properties. This substitution occurs at a position that is conserved in mammals; however, Glutamine has been seen at this position in evolution. In silico analysis is inconsistent in its predictions as to whether or not the variant is damaging to the protein structure/function. Therefore, based on the currently available information, it is unclear whether this variant is a pathogenic variant or a rare benign variant.

Clinical Genetics DNA and cytogenetics Diagnostics Lab, Erasmus MC, Erasmus Medical Center
Classification: Likely benign. Review status: no assertion criteria provided. Collection method: clinical testing. Allele origin: germline. Affected: yes. Study: VKGL Data-share Consensus. Not counted in ClinVar's aggregate classification.

Genome Diagnostics Laboratory, University Medical Center Utrecht
Classification: Likely benign. Review status: no assertion criteria provided. Collection method: clinical testing. Allele origin: germline. Affected: yes. Study: VKGL Data-share Consensus. Not counted in ClinVar's aggregate classification.